The following is an entry in ClinVar:

NM_018486.3(HDAC8):c.500G>C (p.Arg167Pro)

Gene: HDAC8 (histone deacetylase 8; minus strand). Cytogenetic location: Xq13.1.
Variant type: single nucleotide variant.
Coding change: c.500G>C on transcript NM_018486.3 (MANE Select); coding-DNA position 500, G replaced by C.
Protein change: p.Arg167Pro; replaces arginine 167 with proline.
Molecular consequence: missense variant. On other transcripts: non-coding transcript variant (1).
Genome position (GRCh38, 1-based): chrX:72,495,206, C>G on the plus strand (G>C on the coding strand, the complement: HDAC8 is on the minus strand). VCF-style: chrX-72495206-C-G. GRCh37 (hg19) VCF-style: chrX-71715056-C-G.
Other names: c.227G>C, p.Arg76Pro (NM_001166418.2, NM_001166448.2); c.500G>C, p.Arg167Pro (NM_001166419.2); short protein forms R167P, R76P.
Identifiers: ClinVar variation 1308382 (VCV001308382.5), dbSNP rs1308079591, ClinGen allele CA413640132.
Genomic context (GRCh38, chrX:72,495,206, plus strand): 5'-AAGGGCTTACCATCTCCATGGTGCAGATCCAAATCCACGTAGAGAATACGCTCAAATTTC[C>G]GTCGCAATCGTAATATTCCCAGGACAGCATCATTGAGATAACAAAAACCAGATGCTTCAT-3'
Protein context (NP_060956.1, residues 157-177): DAVLGILRLR[Arg167Pro]KFERILYVDL

ClinVar aggregate classification (germline): Uncertain significance. Review status: criteria provided, multiple submitters, no conflicts (2 of 4 stars). 3 submissions from 3 submitters: Uncertain significance (3). Last evaluated 2024-04-15.

Conditions:
Cornelia de Lange syndrome 5 (CDLS5). Also called: HDAC8-Related Cornelia de Lange Syndrome. Identifiers: Orphanet 199, MedGen C3550903, MONDO:0010471, OMIM 300882.

gnomAD v4.1: 7 of 1,206,743 alleles (0.00058%); highest among the groups gnomAD compares: Non-Finnish European, 0.00078%; no homozygotes.

Submissions (3):

Labcorp Genetics (formerly Invitae), Labcorp
Classification: Uncertain significance for Cornelia de Lange syndrome 5. Last evaluated: 2024-04-15. Review status: criteria provided, single submitter. Criteria: Invitae Variant Classification Sherloc (09022015). Collection method: clinical testing. Allele origin: germline.
Comment: This sequence change replaces arginine, which is basic and polar, with proline, which is neutral and non-polar, at codon 167 of the HDAC8 protein (p.Arg167Pro). This variant is not present in population databases (gnomAD no frequency). This missense change has been observed in individual(s) with intellectual disability (PMID: 29302074). ClinVar contains an entry for this variant (Variation ID: 1308382). Advanced modeling of protein sequence and biophysical properties (such as structural, functional, and spatial information, amino acid conservation, physicochemical variation, residue mobility, and thermodynamic stability) performed at Invitae indicates that this missense variant is not expected to disrupt HDAC8 protein function with a negative predictive value of 80%. In summary, the available evidence is currently insufficient to determine the role of this variant in disease. Therefore, it has been classified as a Variant of Uncertain Significance.

GeneDx
Classification: Uncertain significance. Last evaluated: 2020-11-27. Review status: criteria provided, single submitter. Criteria: GeneDx Variant Classification Process June 2021. Collection method: clinical testing. Allele origin: germline. Affected: yes.
Comment: Reported in a family with intellectual disability, however additional clinical information and segregation was not provided (Hu et al., 2019); In silico analysis supports that this missense variant has a deleterious effect on protein structure/function; Not observed in large population cohorts (Lek et al., 2016); This variant is associated with the following publications: (PMID: 29302074)

Breakthrough Genomics
Classification: Uncertain significance. Review status: criteria provided, single submitter. Criteria: ACMG Guidelines, 2015. Collection method: not provided. Allele origin: germline. Inheritance: X-linked dominant inheritance. Affected: yes.

Literature cited by the submitters: PubMed 29302074 (cited by Labcorp Genetics (formerly Invitae), Labcorp).